The following is an entry in ClinVar:

ClinVar aggregate classification (germline): Likely benign (1 of 4 stars; one submission).

Allele frequency attached by ClinVar (database versions not stated): gnomAD exomes 0.00005; TOPMed 0.00028; 1000 Genomes Project 0.00040; 1000 Genomes Project 30x 0.00047.
gnomAD v4.1: 90 of 985,302 alleles (0.0091%); highest among the groups gnomAD compares: Middle Eastern, 0.1%; no homozygotes.

Submission:

CeGaT Center for Human Genetics Tuebingen
Classification: Likely benign. Last evaluated: 2024-08-01. Review status: criteria provided, single submitter. Criteria: CeGaT Center For Human Genetics Tuebingen Variant Classification Criteria Version 2. Collection method: clinical testing. Allele origin: germline. Affected: yes. Observed: 2 variant alleles.
Comment: IQSEC1: BP4, BP7

NM_001134382.3(IQSEC1):c.23+25485C>T

Gene: IQSEC1 (IQ motif and Sec7 domain ArfGEF 1; minus strand). Cytogenetic location: 3p25.2.
Variant type: single nucleotide variant.
Coding change: c.23+25485C>T on transcript NM_001134382.3 (MANE Select); 25485 bases into the intron after coding-DNA position 23, C replaced by T.
Molecular consequence: intron variant. On other transcripts: synonymous variant (1).
Genome position (GRCh38, 1-based): chr3:13,047,507, G>A on the plus strand (C>T on the coding strand, the complement: IQSEC1 is on the minus strand). VCF-style: chr3-13047507-G-A. GRCh37 (hg19) VCF-style: chr3-13089007-G-A.
Other names: c.318C>T, p.Thr106= (NM_001376938.2).
Identifiers: ClinVar variation 2653564 (VCV002653564.24), dbSNP rs552909235, ClinGen allele CA70214686.